The following is an entry in ClinVar:

NM_017780.4(CHD7):c.6080G>A (p.Arg2027Gln)

Gene: CHD7 (chromodomain helicase DNA binding protein 7; plus strand). Cytogenetic location: 8q12.2.
Variant type: single nucleotide variant.
Coding change: c.6080G>A on transcript NM_017780.4 (MANE Select); coding-DNA position 6080, G replaced by A.
Protein change: p.Arg2027Gln; replaces arginine 2027 with glutamine.
Molecular consequence: missense variant. On other transcripts: intron variant (1).
Genome position (GRCh38, 1-based): chr8:60,852,683, G>A. VCF-style: chr8-60852683-G-A. GRCh37 (hg19) VCF-style: chr8-61765242-G-A.
Other names: c.1717-9546G>A (NM_001316690.1); short protein forms R2027Q.
Identifiers: ClinVar variation 459558 (VCV000459558.22), dbSNP rs372077201, ClinGen allele CA4760512.

ClinVar aggregate classification (germline): Benign/Likely benign. Review status: criteria provided, multiple submitters, no conflicts (2 of 4 stars). 6 submissions from 6 submitters: Benign (1); Likely benign (4). 1 of the submissions does not count toward it. Last evaluated 2025-12-28.

Conditions:
CHD7-related disorder. Also called: CHD7-related condition.
Inborn genetic diseases. Identifiers: MedGen C0950123, MeSH D030342.
CHARGE syndrome (CHARGE). Also called: Hittner Hirsch Kreh syndrome; CHARGE ASSOCIATION--COLOBOMA, HEART ANOMALY, CHOANAL ATRESIA, RETARDATION, GENITAL AND EAR ANOMALIES; Coloboma, heart anomaly, choanal atresia, retardation, genital and ear anomalies; CHARGE association; Hall-Hittner syndrome. Identifiers: Orphanet 138, MedGen C0265354, MONDO:0008965.

Allele frequency attached by ClinVar (database versions not stated): gnomAD 0.00001 and 0.00019; TOPMed 0.00005; gnomAD exomes 0.00017 and 0.00038; ExAC 0.00044; 1000 Genomes Project 0.00140; 1000 Genomes Project 30x 0.00141.
gnomAD v4.1: 277 of 1,613,900 alleles (0.017%); highest among the groups gnomAD compares: South Asian, 0.25%; 2 homozygotes.

Submissions (6):

Labcorp Genetics (formerly Invitae), Labcorp
Classification: Likely benign for CHARGE syndrome. Last evaluated: 2025-12-28. Review status: criteria provided, single submitter. Criteria: Invitae Variant Classification Sherloc (09022015). Collection method: clinical testing. Allele origin: germline.

CeGaT Center for Human Genetics Tuebingen
Classification: Likely benign. Last evaluated: 2025-12-01. Review status: criteria provided, single submitter. Criteria: CeGaT Center For Human Genetics Tuebingen Variant Classification Criteria Version 2. Collection method: clinical testing. Allele origin: germline. Affected: yes. Observed: 1 variant allele.
Comment: CHD7: BS1

Blueprint Genetics
Classification: Likely benign. Last evaluated: 2024-11-11. Review status: criteria provided, single submitter. Criteria: ACMG Guidelines, 2015. Collection method: clinical testing. Allele origin: germline.

Ambry Genetics
Classification: Likely benign for Inborn genetic diseases. Last evaluated: 2024-01-17. Review status: criteria provided, single submitter. Criteria: Ambry Variant Classification Scheme 2023. Collection method: clinical testing. Allele origin: germline.

GeneDx
Classification: Benign. Last evaluated: 2021-01-04. Review status: criteria provided, single submitter. Criteria: GeneDx Variant Classification Process June 2021. Collection method: clinical testing. Allele origin: germline. Affected: yes.

PreventionGenetics, part of Exact Sciences
Classification: Likely benign for CHD7-related condition. Last evaluated: 2023-07-10. Review status: no assertion criteria provided. Collection method: clinical testing. Allele origin: germline. Not counted in ClinVar's aggregate classification.
Comment: This variant is classified as likely benign based on ACMG/AMP sequence variant interpretation guidelines (Richards et al. 2015 PMID: 25741868, with internal and published modifications).